The following is an entry in ClinVar:

NM_053025.4(MYLK):c.461G>C (p.Ser154Thr)

Gene: MYLK (myosin light chain kinase; minus strand). Cytogenetic location: 3q21.1.
Variant type: single nucleotide variant.
Coding change: c.461G>C on transcript NM_053025.4 (MANE Select); coding-DNA position 461, G replaced by C.
Protein change: p.Ser154Thr; replaces serine 154 with threonine.
Molecular consequence: missense variant. On other transcripts: 5 prime UTR variant (1).
Genome position (GRCh38, 1-based): chr3:123,739,024, C>G on the plus strand (G>C on the coding strand, the complement: MYLK is on the minus strand). VCF-style: chr3-123739024-C-G. GRCh37 (hg19) VCF-style: chr3-123457871-C-G.
Other names: c.-68G>C (NM_001321309.2); c.461G>C, p.Ser154Thr (NM_053026.4, NM_053027.4, NM_053028.4); short protein forms S154T.
Identifiers: ClinVar variation 2057747 (VCV002057747.4), dbSNP rs2474624826, ClinGen allele CA354241998.
Genomic context (GRCh38, chr3:123,739,024, plus strand): 5'-TCTTTGACCACAACTCGGCCCAGCTTGGTAGCAAACTTTGGTGGGCACTCCCCCCAGATG[C>G]TAGGACGGGTCTCCACTGCTGGAGCTGAAAATCTATCCCTGTAAGGAAATTGGCAGAGAA-3'
Protein context (NP_444253.3, residues 144-164): FSAPAVETRP[Ser154Thr]IWGECPPKFA

ClinVar aggregate classification (germline): Uncertain significance (1 of 4 stars; one submission).

Conditions:
Aortic aneurysm, familial thoracic 7 (AAT7). Also called: AORTIC DISSECTION, FAMILIAL, WITH OR WITHOUT AORTIC ANEURYSM. Identifiers: MedGen C3151077, MONDO:0013418, OMIM 613780.

Submission:

Labcorp Genetics (formerly Invitae), Labcorp
Classification: Uncertain significance for Aortic aneurysm, familial thoracic 7. Last evaluated: 2022-05-12. Review status: criteria provided, single submitter. Criteria: Invitae Variant Classification Sherloc (09022015). Collection method: clinical testing. Allele origin: germline.
Comment: In summary, the available evidence is currently insufficient to determine the role of this variant in disease. Therefore, it has been classified as a Variant of Uncertain Significance. Advanced modeling of protein sequence and biophysical properties (such as structural, functional, and spatial information, amino acid conservation, physicochemical variation, residue mobility, and thermodynamic stability) performed at Invitae indicates that this missense variant is not expected to disrupt MYLK protein function. This variant has not been reported in the literature in individuals affected with MYLK-related conditions. This variant is not present in population databases (gnomAD no frequency). This sequence change replaces serine, which is neutral and polar, with threonine, which is neutral and polar, at codon 154 of the MYLK protein (p.Ser154Thr).